The following is an entry in ClinVar:

NM_020975.6(RET):c.208C>A (p.Gln70Lys)

Gene: RET (ret proto-oncogene; plus strand). Cytogenetic location: 10q11.21.
Variant type: single nucleotide variant.
Coding change: c.208C>A on transcript NM_020975.6 (MANE Select); coding-DNA position 208, C replaced by A.
Protein change: p.Gln70Lys; replaces glutamine 70 with lysine.
Molecular consequence: missense variant. On other transcripts: intron variant (4).
Genome position (GRCh38, 1-based): chr10:43,100,593, C>A. VCF-style: chr10-43100593-C-A. GRCh37 (hg19) VCF-style: chr10-43596041-C-A.
Other names: c.208C>A, p.Gln70Lys (NM_020629.2, NM_020630.7, NM_000323.2 and 34 more transcripts); c.74-8438C>A (NM_001406784.1); c.74-11506C>A (NM_001406794.1, NM_001406792.1, NM_001406793.1); short protein forms Q70K.
Identifiers: ClinVar variation 2587891 (VCV002587891.3), dbSNP rs1465353841, ClinGen allele CA376770312.
Genomic context (GRCh38, chr10:43,100,593, plus strand): 5'-TTGCTGTACGTCCATGCCCTGCGGGACGCCCCTGAGGAGGTGCCCAGCTTCCGCCTGGGC[C>A]AGCATCTCTACGGCACGTACCGCACACGGCTGCATGAGAACAACTGGATCTGCATCCAGG-3'
Protein context (NP_066124.1, residues 60-80): PEEVPSFRLG[Gln70Lys]HLYGTYRTRL

ClinVar aggregate classification (germline): Uncertain significance. Review status: criteria provided, multiple submitters, no conflicts (2 of 4 stars). 2 submissions from 2 submitters: Uncertain significance (2). Last evaluated 2026-01-11.

Conditions:
Hereditary cancer-predisposing syndrome. Also called: Tumor predisposition; Hereditary Cancer Syndrome; Hereditary neoplastic syndrome; Neoplastic Syndromes, Hereditary. Identifiers: Orphanet 140162, MedGen C0027672, MeSH D009386, MONDO:0015356.
Multiple endocrine neoplasia, type 2 (MEN2). Identifiers: Orphanet 653, MedGen C4048306, MONDO:0019003. Disease mechanism: gain of function.

Allele frequency attached by ClinVar (database versions not stated): gnomAD exomes below 0.00001.
gnomAD v4.1: 1 of 1,613,938 alleles (0.000062%); highest among the groups gnomAD compares: Non-Finnish European, 0.000085%; no homozygotes.

Submissions (2):

Labcorp Genetics (formerly Invitae), Labcorp
Classification: Uncertain significance for Multiple endocrine neoplasia, type 2. Last evaluated: 2026-01-11. Review status: criteria provided, single submitter. Criteria: Invitae Variant Classification Sherloc (09022015). Collection method: clinical testing. Allele origin: germline.
Comment: This sequence change replaces glutamine, which is neutral and polar, with lysine, which is basic and polar, at codon 70 of the RET protein (p.Gln70Lys). This variant is present in population databases (no rsID available, gnomAD 0.0009%). This variant has not been reported in the literature in individuals affected with RET-related conditions. ClinVar contains an entry for this variant (Variation ID: 2587891). An algorithm developed to predict the effect of missense changes on protein structure and function (PolyPhen-2) suggests that this variant is likely to be tolerated. In summary, the available evidence is currently insufficient to determine the role of this variant in disease. Therefore, it has been classified as a Variant of Uncertain Significance.

Ambry Genetics
Classification: Uncertain significance for Hereditary cancer-predisposing syndrome. Last evaluated: 2023-08-30. Review status: criteria provided, single submitter. Criteria: Ambry Variant Classification Scheme 2023. Collection method: clinical testing. Allele origin: germline.
Comment: The p.Q70K variant (also known as c.208C>A), located in coding exon 2 of the RET gene, results from a C to A substitution at nucleotide position 208. The glutamine at codon 70 is replaced by lysine, an amino acid with similar properties. This amino acid position is well conserved in available vertebrate species. In addition, this alteration is predicted to be tolerated by in silico analysis. Since supporting evidence is limited at this time, the clinical significance of this alteration remains unclear.